The following is an entry in ClinVar:

ClinVar aggregate classification (germline): Pathogenic (1 of 4 stars; one submission).

Submission:

Labcorp Genetics (formerly Invitae), Labcorp
Classification: Pathogenic. Last evaluated: 2023-04-23. Review status: criteria provided, single submitter. Criteria: Invitae Variant Classification Sherloc (09022015). Collection method: clinical testing. Allele origin: germline.
Comment: For these reasons, this variant has been classified as Pathogenic. This variant has not been reported in the literature in individuals affected with RIPK1-related conditions. This variant is not present in population databases (gnomAD no frequency). This sequence change creates a premature translational stop signal (p.Pro515Thrfs*13) in the RIPK1 gene. It is expected to result in an absent or disrupted protein product. Loss-of-function variants in RIPK1 are known to be pathogenic (PMID: 31213653).

Literature cited by the submitters: PubMed 31213653.

NM_001354930.2(RIPK1):c.1542dup (p.Pro515fs)

Gene: RIPK1 (receptor interacting serine/threonine kinase 1; plus strand). Cytogenetic location: 6p25.2.
Variant type: Duplication.
Coding change: c.1542dup on transcript NM_001354930.2 (MANE Select); coding-DNA position 1542, one base duplicated (A; older notation c.1542dupA).
Protein change: p.Pro515fs; shifts the reading frame from proline 515.
Molecular consequence: frameshift variant.
Genome position (GRCh38, 1-based): chr6:3,106,017, A duplicated. VCF-style (leftmost placement, unchanged base first): chr6-3106016-C-CA. GRCh37 (hg19) VCF-style: chr6-3106250-C-CA.
Other names: c.1053dup, p.Pro352fs (NM_001317061.3, NM_001354932.2, NM_001354933.2 and 1 more transcripts); c.1404dup, p.Pro469fs (NM_001354931.2); c.1542dup, p.Pro515fs (NM_003804.6); short protein forms P515fs, P352fs, P469fs.
Identifiers: ClinVar variation 2858656 (VCV002858656.3), dbSNP rs2533347892, ClinGen allele CA2739272828.
Genomic context (GRCh38, chr6:3,106,016, plus strand): 5'-CAAGTCATATGCCTAGTCTGCATAATATCCCAGTGCCTGAGACCAACTATCTAGGAAATA[C>CA]ACCCACCATGCCATTCAGCTCCTTGCCACCAACAGGTAAATGGGTCTTCGATAGTCACAA-3'